The following is an entry in ClinVar:

NM_020702.5(MYORG):c.1831C>T (p.Arg611Trp)

Gene: MYORG (myogenesis regulating glycosidase; minus strand). Cytogenetic location: 9p13.3.
Variant type: single nucleotide variant.
Coding change: c.1831C>T on transcript NM_020702.5 (MANE Select); coding-DNA position 1831, C replaced by T.
Protein change: p.Arg611Trp; replaces arginine 611 with tryptophan.
Molecular consequence: missense variant.
Genome position (GRCh38, 1-based): chr9:34,371,113, G>A on the plus strand (C>T on the coding strand, the complement: MYORG is on the minus strand). VCF-style: chr9-34371113-G-A. GRCh37 (hg19) VCF-style: chr9-34371111-G-A.
Other names: short protein forms R611W.
Identifiers: ClinVar variation 692183 (VCV000692183.1), dbSNP rs536187898, ClinGen allele CA192624444.

ClinVar aggregate classification (germline): Uncertain significance (1 of 4 stars; one submission).

Conditions:
Basal ganglia calcification, idiopathic, 7, autosomal recessive. Also called: PRIMARY FAMILIAL BRAIN CALCIFICATION 7, AUTOSOMAL RECESSIVE. Identifiers: MedGen C5193025, MONDO:0032673, OMIM 618317.

Allele frequency attached by ClinVar (database versions not stated): 1000 Genomes Project 30x 0.00031; gnomAD 0.00001; 1000 Genomes Project 0.00020.
gnomAD v4.1: 3 of 1,607,788 alleles (0.00019%); highest among the groups gnomAD compares: East Asian, 0.0045%; no homozygotes.

Submission:

SIB Swiss Institute of Bioinformatics
Classification: Uncertain significance for Basal ganglia calcification, idiopathic, 7, autosomal recessive. Last evaluated: 2019-06-13. Review status: criteria provided, single submitter. Criteria: ACMG Guidelines, 2015. Collection method: curation. Allele origin: unknown.
Comment: This variant is interpreted as a variant of Uncertain significance for Basal ganglia calcification, idiopathic, 7, autosomal recessive. The following ACMG Tag(s) were applied: PM2, PM3.

Literature cited by the submitters: PubMed 31009047.